The following is an entry in ClinVar:

NM_006031.6(PCNT):c.9394-10T>C

Gene: PCNT (pericentrin; plus strand). Cytogenetic location: 21q22.3.
Variant type: single nucleotide variant.
Coding change: c.9394-10T>C on transcript NM_006031.6 (MANE Select); 10 bases into the intron before coding-DNA position 9394, T replaced by C.
Molecular consequence: intron variant.
Genome position (GRCh38, 1-based): chr21:46,440,845, T>C. VCF-style: chr21-46440845-T-C. GRCh37 (hg19) VCF-style: chr21-47860758-T-C.
Other names: c.9394-10T>C (NM_006031.5); c.8803-10T>C (NM_001315529.2).
Identifiers: ClinVar variation 2983852 (VCV002983852.4), dbSNP rs199784468, ClinGen allele CA322027672.

ClinVar aggregate classification (germline): Likely benign. Review status: criteria provided, multiple submitters, no conflicts (2 of 4 stars). 2 submissions from 2 submitters: Likely benign (2). Last evaluated 2025-09-30.

Conditions:
PCNT-related disorder. Also called: PCNT-related condition.

Allele frequency attached by ClinVar (database versions not stated): gnomAD exomes below 0.00001; TOPMed below 0.00001; gnomAD 0.00001; 1000 Genomes Project 30x 0.00016; 1000 Genomes Project 0.00020.
gnomAD v4.1: 4 of 1,558,300 alleles (0.00026%); highest among the groups gnomAD compares: African/African-American, 0.0027%; no homozygotes.

Submissions (2):

PreventionGenetics, part of Exact Sciences
Classification: Likely benign for PCNT-related condition. Last evaluated: 2025-09-30. Review status: criteria provided, single submitter. Criteria: ACMG Guidelines, 2015. Collection method: clinical testing. Allele origin: germline.
Comment: This variant is classified as likely benign based on ACMG/AMP sequence variant interpretation guidelines (Richards et al. 2015 PMID: 25741868, with internal and published modifications).

Labcorp Genetics (formerly Invitae), Labcorp
Classification: Likely benign. Last evaluated: 2024-02-22. Review status: criteria provided, single submitter. Criteria: Invitae Variant Classification Sherloc (09022015). Collection method: clinical testing. Allele origin: germline.